The following is an entry in ClinVar:

ClinVar aggregate classification (germline): Conflicting classifications of pathogenicity. Review status: criteria provided, conflicting classifications (1 of 4 stars). 3 submissions from 3 submitters: Uncertain significance (1); Likely benign (2). Last evaluated 2025-04-09.

Conditions:
Familial thoracic aortic aneurysm and aortic dissection (TAAD). Also called: Thoracic aortic aneurysms and dissections. Identifiers: Orphanet 91387, MedGen C4707243, MONDO:0019625.
Hereditary cancer-predisposing syndrome. Also called: Hereditary neoplastic syndrome; Neoplastic Syndromes, Hereditary; Tumor predisposition; Hereditary Cancer Syndrome. Identifiers: Orphanet 140162, MedGen C0027672, MeSH D009386, MONDO:0015356.
Juvenile polyposis syndrome (JPS). Identifiers: Orphanet 2929, MedGen C0345893, MONDO:0017380, OMIM 174900.
Juvenile polyposis/hereditary hemorrhagic telangiectasia syndrome (JPHT). Also called: JP/HHT SYNDROME; JUVENILE POLYPOSIS WITH HEREDITARY HEMORRHAGIC TELANGIECTASIA; POLYPOSIS, GENERALIZED JUVENILE, WITH PULMONARY ARTERIOVENOUS MALFORMATION; TELANGIECTASIA, HEREDITARY HEMORRHAGIC, WITH JUVENILE POLYPOSIS COLI; Juvenile Polyposis Syndrome / Hereditary Hemorrhagic Telangiectasia (JPS/HHT). Identifiers: Orphanet 2929, MedGen C1832942, MONDO:0008278, OMIM 175050.

Submissions (3):

Ambry Genetics
Classification: Uncertain significance for Hereditary cancer-predisposing syndrome; Familial thoracic aortic aneurysm and aortic dissection. Last evaluated: 2025-04-09. Review status: criteria provided, single submitter. Criteria: Ambry Variant Classification Scheme 2023. Collection method: clinical testing. Allele origin: germline.
Comment: The c.1309-5A>T intronic variant results from an A to T substitution 5 nucleotides upstream from coding exon 10 in the SMAD4 gene. This nucleotide position is not well conserved in available vertebrate species. In silico splice site analysis predicts that this alteration will not have any significant effect on splicing. Since supporting evidence is limited at this time, the clinical significance of this alteration remains unclear.

Myriad Genetics, Inc.
Classification: Likely benign for Juvenile polyposis/hereditary hemorrhagic telangiectasia syndrome. Last evaluated: 2025-03-21. Review status: criteria provided, single submitter. Criteria: Myriad Autosomal Dominant, Autosomal Recessive and X-Linked Classification Criteria (2023). Collection method: clinical testing. Allele origin: unknown.
Comment: This variant is considered likely benign. This variant is intronic and is not expected to impact mRNA splicing.

Labcorp Genetics (formerly Invitae), Labcorp
Classification: Likely benign for Juvenile polyposis syndrome. Last evaluated: 2023-10-26. Review status: criteria provided, single submitter. Criteria: Invitae Variant Classification Sherloc (09022015). Collection method: clinical testing. Allele origin: germline.

NM_005359.6(SMAD4):c.1309-5A>T

Gene: SMAD4 (SMAD family member 4; plus strand). Cytogenetic location: 18q21.2.
Variant type: single nucleotide variant.
Coding change: c.1309-5A>T on transcript NM_005359.6 (MANE Select); 5 bases into the intron before coding-DNA position 1309, A replaced by T.
Molecular consequence: intron variant.
Genome position (GRCh38, 1-based): chr18:51,076,633, A>T. VCF-style: chr18-51076633-A-T. GRCh37 (hg19) VCF-style: chr18-48603003-A-T.
Identifiers: ClinVar variation 1769584 (VCV001769584.7), dbSNP rs1568211170, ClinGen allele CA2580095838.